The following is an entry in ClinVar:

ClinVar aggregate classification (germline): Conflicting classifications of pathogenicity. Review status: criteria provided, conflicting classifications (1 of 4 stars). 3 submissions from 3 submitters: Uncertain significance (2); Likely benign (1). Last evaluated 2025-12-09.

Conditions:
T-cell immunodeficiency, congenital alopecia, and nail dystrophy. Also called: Congenital alopecia and nail dystrophy associated with severe functional T-cell immunodeficiency; Pignata Guarino syndrome. Identifiers: Orphanet 169095, MedGen C1866426, MONDO:0011132, OMIM 601705.
T-cell lymphopenia, infantile, with or without nail dystrophy, autosomal dominant. Identifiers: Orphanet 676039, MedGen C5394133, MONDO:0032928, OMIM 618806.

Allele frequency attached by ClinVar (database versions not stated): gnomAD exomes 0.00003 and 0.00004; ExAC 0.00004; gnomAD 0.00004 and 0.00005; ESP Exome Variant Server 0.00008; TOPMed 0.00008.
gnomAD v4.1: 48 of 1,614,146 alleles (0.003%); highest among the groups gnomAD compares: Middle Eastern, 0.033%; no homozygotes.

Submissions (3):

Labcorp Genetics (formerly Invitae), Labcorp
Classification: Likely benign for T-cell immunodeficiency, congenital alopecia, and nail dystrophy. Last evaluated: 2025-12-09. Review status: criteria provided, single submitter. Criteria: Invitae Variant Classification Sherloc (09022015). Collection method: clinical testing. Allele origin: germline.

Breakthrough Genomics
Classification: Uncertain significance. Review status: criteria provided, single submitter. Criteria: ACMG Guidelines, 2015. Collection method: not provided. Allele origin: germline. Inheritance: Autosomal recessive inheritance. Affected: yes.

Center for Genomics, Ann and Robert H. Lurie Children's Hospital of Chicago
Classification: Uncertain significance for T-cell lymphopenia, infantile, with or without nail dystrophy, autosomal dominant; T-cell immunodeficiency, congenital alopecia, and nail dystrophy. Review status: criteria provided, single submitter. Criteria: ACMG Guidelines, 2015. Collection method: clinical testing. Allele origin: germline.
Comment: This variant has not been reported in the literature but is present in the Genome Aggregation Database (Highest reported MAF 0.009% (4/41432). This variant is present in ClinVar (Variation ID:642263). Evolutionary conservation and computational predictive tools for this variant are limited or unavailable. Of note, this variant is a silent variant and does not change the amino acid, reducing the probability that this variant is disease causing. In summary, data on this variant is insufficient for disease classification. Therefore, the clinical significance of this variant is uncertain

NM_001369369.1(FOXN1):c.1050G>A (p.Pro350=)

Gene: FOXN1 (forkhead box N1; plus strand). Cytogenetic location: 17q11.2.
Variant type: single nucleotide variant.
Coding change: c.1050G>A on transcript NM_001369369.1 (MANE Select); coding-DNA position 1050, G replaced by A.
Protein change: p.Pro350=; no amino-acid change (proline 350 retained).
Molecular consequence: synonymous variant.
Genome position (GRCh38, 1-based): chr17:28,534,453, G>A. VCF-style: chr17-28534453-G-A. GRCh37 (hg19) VCF-style: chr17-26861471-G-A.
Other names: c.1050G>A, p.Pro350= (NM_003593.3).
Identifiers: ClinVar variation 642263 (VCV000642263.10), dbSNP rs150671729, ClinGen allele CA8459425.
Genomic context (GRCh38, chr17:28,534,453, plus strand): 5'-GAAGGTGGAGAACAAATCAGGAAGTTCCTCCCGCAAGGGCTGCCTGTGGGCCCTCAATCC[G>A]GCCAAGATCGACAAGATGCAAGAGGAGCTGCAAAAATGGAAGAGGAAAGATCCCATTGCT-3'
Protein context (NP_001356298.1, residues 340-360): SRKGCLWALN[Pro350=]AKIDKMQEEL